The following is an entry in ClinVar:

NM_032043.3(BRIP1):c.1264C>T (p.Leu422=)

Gene: BRIP1 (BRCA1 interacting DNA helicase 1; minus strand). Cytogenetic location: 17q23.2.
Variant type: single nucleotide variant.
Coding change: c.1264C>T on transcript NM_032043.3 (MANE Select); coding-DNA position 1264, C replaced by T.
Protein change: p.Leu422=; no amino-acid change (leucine 422 retained).
Molecular consequence: synonymous variant.
Genome position (GRCh38, 1-based): chr17:61,799,176, G>A on the plus strand (C>T on the coding strand, the complement: BRIP1 is on the minus strand). VCF-style: chr17-61799176-G-A. GRCh37 (hg19) VCF-style: chr17-59876537-G-A.
Identifiers: ClinVar variation 530359 (VCV000530359.14), dbSNP rs768633507, ClinGen allele CA501151509.
Genomic context (GRCh38, chr17:61,799,176, plus strand): 5'-ACACAGCTCGTAGGGGTTCATGATCTTTCTTCCTTATATTATTGTTGACCATACTATCTA[G>A]TTCATCCCGAGCAAACCGAAGCTGAACTTCTGTTACACTGTAACTTGCTGATTCCCGAGC-3'
Protein context (NP_114432.2, residues 412-432): EVQLRFARDE[Leu422=]DSMVNNNIRK

ClinVar aggregate classification (germline): Benign/Likely benign. Review status: criteria provided, multiple submitters, no conflicts (2 of 4 stars). 3 submissions from 3 submitters: Benign (1); Likely benign (2). Last evaluated 2025-02-18.

Conditions:
Fanconi anemia complementation group J. Also called: BRIP1-Related Fanconi Anemia. Identifiers: Orphanet 84, MedGen C1836860, MONDO:0012187, OMIM 609054.
Familial cancer of breast. Also called: BREAST CANCER, FAMILIAL; hereditary breast carcinoma; Hereditary breast cancer. Identifiers: Orphanet 227535, MedGen C0346153, MONDO:0016419, OMIM 114480. Disease mechanism: loss of function.
Hereditary cancer-predisposing syndrome. Also called: Neoplastic Syndromes, Hereditary; Hereditary neoplastic syndrome; Tumor predisposition; Hereditary Cancer Syndrome. Identifiers: Orphanet 140162, MedGen C0027672, MeSH D009386, MONDO:0015356.

Submissions (3):

Labcorp Genetics (formerly Invitae), Labcorp
Classification: Likely benign for Familial cancer of breast; Fanconi anemia complementation group J. Last evaluated: 2025-02-18. Review status: criteria provided, single submitter. Criteria: Invitae Variant Classification Sherloc (09022015). Collection method: clinical testing. Allele origin: germline.

Myriad Genetics, Inc.
Classification: Benign for Familial cancer of breast. Last evaluated: 2024-08-26. Review status: criteria provided, single submitter. Criteria: Myriad Autosomal Dominant, Autosomal Recessive and X-Linked Classification Criteria (2023). Collection method: clinical testing. Allele origin: unknown.
Comment: This variant is considered benign. This variant is a silent/synonymous amino acid change and it is not expected to impact splicing.

Ambry Genetics
Classification: Likely benign for Hereditary cancer-predisposing syndrome. Last evaluated: 2017-11-15. Review status: criteria provided, single submitter. Criteria: Ambry Variant Classification Scheme 2023. Collection method: clinical testing. Allele origin: germline.